The following is an entry in ClinVar:

NM_014425.5(INVS):c.1785-14G>A

Gene: INVS (inversin; plus strand). Cytogenetic location: 9q31.1.
Variant type: single nucleotide variant.
Coding change: c.1785-14G>A on transcript NM_014425.5 (MANE Select); 14 bases into the intron before coding-DNA position 1785, G replaced by A.
Molecular consequence: intron variant.
Genome position (GRCh38, 1-based): chr9:100,284,306, G>A. VCF-style: chr9-100284306-G-A. GRCh37 (hg19) VCF-style: chr9-103046588-G-A.
Other names: c.1497-14G>A (NM_001318381.2); c.807-14G>A (NM_001318382.2).
Identifiers: ClinVar variation 1522406 (VCV001522406.9), dbSNP rs2118724157, ClinGen allele CA2573143643.

ClinVar aggregate classification (germline): Uncertain significance. Review status: criteria provided, multiple submitters, no conflicts (2 of 4 stars). 2 submissions from 2 submitters: Uncertain significance (2). Last evaluated 2025-01-13.

Conditions:
Infantile nephronophthisis (NPHP2). Also called: Nephronophthisis 2; Nephronophthisis 2, infantile. Identifiers: Orphanet 655, Orphanet 93591, MedGen C1865872, MONDO:0011190, OMIM 602088.
Nephronophthisis. Also called: Juvenile Nephronophthisis. Identifiers: Orphanet 655, MedGen C0687120, MONDO:0019005, HP:0000090.

Submissions (2):

Labcorp Genetics (formerly Invitae), Labcorp
Classification: Uncertain significance for Nephronophthisis. Last evaluated: 2025-01-13. Review status: criteria provided, single submitter. Criteria: Invitae Variant Classification Sherloc (09022015). Collection method: clinical testing. Allele origin: germline.
Comment: This sequence change falls in intron 12 of the INVS gene. It does not directly change the encoded amino acid sequence of the INVS protein. This variant is not present in population databases (gnomAD no frequency). This variant has not been reported in the literature in individuals affected with INVS-related conditions. ClinVar contains an entry for this variant (Variation ID: 1522406). Algorithms developed to predict the effect of sequence changes on RNA splicing suggest that this variant may disrupt the consensus splice site. In summary, the available evidence is currently insufficient to determine the role of this variant in disease. Therefore, it has been classified as a Variant of Uncertain Significance.

Fulgent Genetics
Classification: Uncertain significance for Infantile nephronophthisis. Last evaluated: 2024-04-15. Review status: criteria provided, single submitter. Criteria: ACMG Guidelines, 2015. Collection method: clinical testing. Allele origin: germline.